The following is an entry in ClinVar:

ClinVar aggregate classification (germline): Likely benign. Review status: criteria provided, multiple submitters, no conflicts (2 of 4 stars). 2 submissions from 2 submitters: Likely benign (2). Last evaluated 2018-01-12.

Conditions:
Legius syndrome. Identifiers: Orphanet 137605, MedGen C1969623, MONDO:0012669, OMIM 611431. Disease mechanism: loss of function.

Allele frequency attached by ClinVar (database versions not stated): 1000 Genomes Project 0.00399; gnomAD 0.00493 and 0.00529; 1000 Genomes Project 30x 0.00500; TOPMed 0.00545.

Submissions (2):

Illumina Laboratory Services, Illumina
Classification: Likely benign for Legius syndrome. Last evaluated: 2018-01-12. Review status: criteria provided, single submitter. Criteria: ICSL Variant Classification Criteria 13 December 2019. Collection method: clinical testing. Allele origin: germline.
Comment: This variant was observed in the ICSL laboratory as part of a predisposition screen in an ostensibly healthy population. It had not been previously curated by ICSL or reported in the Human Gene Mutation Database (HGMD: prior to June 1st, 2018), and was therefore a candidate for classification through an automated scoring system. Utilizing variant allele frequency, disease prevalence and penetrance estimates, and inheritance mode, an automated score was calculated to assess if this variant is too frequent to cause the disease. Based on the score and internal cut-off values, a variant classified as likely benign is not then subjected to further curation. The score for this variant resulted in a classification of likely benign for this disease.

Breakthrough Genomics
Classification: Likely benign. Review status: criteria provided, single submitter. Criteria: ACMG Guidelines, 2015. Collection method: not provided. Allele origin: germline. Inheritance: Autosomal dominant inheritance. Affected: yes.

NM_152594.3(SPRED1):c.*3591C>T

Gene: SPRED1 (sprouty related EVH1 domain containing 1; plus strand). Cytogenetic location: 15q14.
Variant type: single nucleotide variant.
Coding change: c.*3591C>T on transcript NM_152594.3 (MANE Select); 3591 bases downstream of the stop codon, C replaced by T.
Molecular consequence: 3 prime UTR variant.
Genome position (GRCh38, 1-based): chr15:38,355,255, C>T. VCF-style: chr15-38355255-C-T. GRCh37 (hg19) VCF-style: chr15-38647456-C-T.
Identifiers: ClinVar variation 315770 (VCV000315770.6), dbSNP rs147489619, ClinGen allele CA10645816.
Genomic context (GRCh38, chr15:38,355,255, plus strand): 5'-ATCCACCCACCTCGGCCTCCCAAAGTGCTGGGATTACAGGCATGAGCTACTGCGCCCAGC[C>T]GTGTGTATGTTTCTGAAATGATGATGGGGTGGGGTTAAAATCTAAAGGGAAAAACTTGAA-3'